The following is an entry in ClinVar:

ClinVar aggregate classification (germline): Uncertain significance (1 of 4 stars; one submission).

Conditions:
Bethlem myopathy 1A. Also called: MYOPATHY, BENIGN CONGENITAL, WITH CONTRACTURES; Bethlem Muscular Dystrophy; Bethlem myopathy 1. Identifiers: Orphanet 610, MedGen CN029274, MONDO:0024530, OMIM 158810.

Submission:

Labcorp Genetics (formerly Invitae), Labcorp
Classification: Uncertain significance for Bethlem myopathy 1A. Last evaluated: 2021-10-14. Review status: criteria provided, single submitter. Criteria: Invitae Variant Classification Sherloc (09022015). Collection method: clinical testing. Allele origin: germline.
Comment: In summary, the available evidence is currently insufficient to determine the role of this variant in disease. Therefore, it has been classified as a Variant of Uncertain Significance. Algorithms developed to predict the effect of sequence changes on RNA splicing suggest that this variant may create or strengthen a splice site. This variant has not been reported in the literature in individuals affected with COL6A1-related conditions. This variant is not present in population databases (ExAC no frequency). This sequence change falls in intron 33 of the COL6A1 gene. It does not directly change the encoded amino acid sequence of the COL6A1 protein.

NM_001848.3(COL6A1):c.2434+19_2434+20insAGCAGTCCCAGATCTGCGTAGGTGCGCGCGGGGCCACCCGGGCAGTCCCAGATCTGCGTAGGTGCAC

Gene: COL6A1 (collagen type VI alpha 1 chain; plus strand). Cytogenetic location: 21q22.3.
Variant type: Insertion.
Coding change: c.2434+19_2434+20insAGCAGTCCCAGATCTGCGTAGGTGCGCGCGGGGCCACCCGGGCAGTCCCAGATCTGCGTAGGTGCAC on transcript NM_001848.3 (MANE Select); bases 19 to 20 of the intron after coding-DNA position 2434, AGCAGTCCCAGATCTGCGTAGGTGCGCGCGGGGCCACCCGGGCAGTCCCAGATCTGCGTAGGTGCAC inserted.
Molecular consequence: intron variant.
Genome position: GRCh38: chr21:46,002,729-46,002,730. GRCh37 (hg19): chr21:47,422,643-47,422,644.
Identifiers: ClinVar variation 1420944 (VCV001420944.6), dbSNP rs2123491242, ClinGen allele CA2573157646.